The following is an entry in ClinVar:

ClinVar aggregate classification (germline): Uncertain significance (1 of 4 stars; one submission).

Submission:

CeGaT Center for Human Genetics Tuebingen
Classification: Uncertain significance. Last evaluated: 2023-11-01. Review status: criteria provided, single submitter. Criteria: CeGaT Center For Human Genetics Tuebingen Variant Classification Criteria Version 2. Collection method: clinical testing. Allele origin: germline. Affected: yes. Observed: 1 variant allele.
Comment: NRXN3: PM2

NM_001330195.2(NRXN3):c.2992G>C (p.Ala998Pro)

Gene: NRXN3 (neurexin 3; plus strand). Cytogenetic location: 14q31.1.
Variant type: single nucleotide variant.
Coding change: c.2992G>C on transcript NM_001330195.2 (MANE Select); coding-DNA position 2992, G replaced by C.
Protein change: p.Ala998Pro; replaces alanine 998 with proline.
Molecular consequence: missense variant. On other transcripts: non-coding transcript variant (4).
Genome position (GRCh38, 1-based): chr14:78,968,196, G>C. VCF-style: chr14-78968196-G-C. GRCh37 (hg19) VCF-style: chr14-79434539-G-C.
Other names: c.2992G>C, p.Ala998Pro (NM_001366425.1); c.3004G>C, p.Ala1002Pro (NM_001366426.1); c.1873G>C, p.Ala625Pro (NM_004796.6); short protein forms A1002P, A625P, A998P.
Identifiers: ClinVar variation 2672563 (VCV002672563.23), dbSNP rs2551834351, ClinGen allele CA390758769.